The following is an entry in ClinVar:

ClinVar aggregate classification (germline): Uncertain significance (1 of 4 stars; one submission).

Conditions:
Cardiovascular phenotype. Identifiers: MedGen CN230736.

gnomAD v4.1: 3 of 1,607,632 alleles (0.00019%); highest among the groups gnomAD compares: Admixed American, 0.0017%; no homozygotes.

Submission:

Ambry Genetics
Classification: Uncertain significance for Cardiovascular phenotype. Last evaluated: 2025-07-09. Review status: criteria provided, single submitter. Criteria: Ambry Variant Classification Scheme 2023. Collection method: clinical testing. Allele origin: germline.
Comment: The p.G1086S variant (also known as c.3256G>A), located in coding exon 18 of the SCN10A gene, results from a G to A substitution at nucleotide position 3256. The glycine at codon 1086 is replaced by serine, an amino acid with similar properties. This amino acid position is conserved. In addition, the in silico prediction for this alteration is inconclusive. Based on the available evidence, the clinical significance of this variant remains unclear.

NM_006514.4(SCN10A):c.3256G>A (p.Gly1086Ser)

Genes: SCN10A (sodium voltage-gated channel alpha subunit 10; minus strand), LOC110121288 (VISTA enhancer hs2268; plus strand). Cytogenetic location: 3p22.2.
Variant type: single nucleotide variant.
Coding change: c.3256G>A on transcript NM_006514.4 (MANE Select); coding-DNA position 3256, G replaced by A.
Protein change: p.Gly1086Ser; replaces glycine 1086 with serine.
Molecular consequence: missense variant.
Genome position (GRCh38, 1-based): chr3:38,723,526, C>T on the plus strand (G>A on the coding strand, the complement: SCN10A is on the minus strand). VCF-style: chr3-38723526-C-T. GRCh37 (hg19) VCF-style: chr3-38765017-C-T.
Other names: c.3253G>A, p.Gly1085Ser (NM_001293306.2); c.2962G>A, p.Gly988Ser (NM_001293307.2); short protein forms G1085S, G1086S, G988S.
Identifiers: ClinVar variation 4160545 (VCV004160545.1).
Genomic context (GRCh38, chr3:38,723,526, plus strand): 5'-CTGCCAGCTCAGGGATCTTCCTCAGGATTTCCTCAGGATCTAGGCAGTCCACCGTGCTGC[C>T]CTCAGAGGAGCTTGTGTCGTCCACTCCCTGCAGGGGAGAAGCCCAGGGCAGTGAACTCGT-3'
Protein context (NP_006505.4, residues 1076-1096): EGVDDTSSSE[Gly1086Ser]STVDCLDPEE